The following is an entry in ClinVar:

NC_000003.12:g.169764776T>C

Genes: TERC (telomerase RNA component; minus strand), LOC110806306 (telomerase RNA component (TERC) promoter; plus strand). Cytogenetic location: 3q26.2.
Variant type: single nucleotide variant.
Genome position: GRCh38 VCF-style: chr3-169764776-T-C. GRCh37 (hg19) VCF-style: chr3-169482564-T-C.
Identifiers: ClinVar variation 861834 (VCV000861834.8), dbSNP rs1777960434, ClinGen allele CA436715159.

ClinVar aggregate classification (germline): Uncertain significance (1 of 4 stars; one submission).

Conditions:
Dyskeratosis congenita, autosomal dominant 1 (DKCA1). Also called: Dyskeratosis congenita Scoggins type. Identifiers: Orphanet 1775, MedGen C4551974, MONDO:0007485, OMIM 127550. Inheritance: Variable.

Allele frequency attached by ClinVar (database versions not stated): gnomAD 0.00001; TOPMed 0.00001.

Submission:

Labcorp Genetics (formerly Invitae), Labcorp
Classification: Uncertain significance for Dyskeratosis congenita, autosomal dominant 1. Last evaluated: 2023-04-13. Review status: criteria provided, single submitter. Criteria: Invitae Variant Classification Sherloc (09022015). Collection method: clinical testing. Allele origin: germline.
Comment: This variant occurs in the TERC gene, which encodes an RNA molecule that does not result in a protein product. This variant is not present in population databases (gnomAD no frequency). This variant has not been reported in the literature in individuals affected with TERC-related conditions. ClinVar contains an entry for this variant (Variation ID: 861834). This variant is located within the conserved regions 4 and 5 (CR4-CR5) domain of the TERC RNA component, which is required for telomerase activity (PMID: 15082312, 21844345). In summary, the available evidence is currently insufficient to determine the role of this variant in disease. Therefore, it has been classified as a Variant of Uncertain Significance.

Literature cited by the submitters: PubMed 15082312; PubMed 21844345.